The following is an entry in ClinVar:

NM_005802.5(TOPORS):c.2474dup (p.Tyr825Ter)

Gene: TOPORS (TOP1 binding arginine/serine rich protein, E3 ubiquitin ligase; minus strand). Cytogenetic location: 9p21.1.
Variant type: Duplication.
Coding change: c.2474dup on transcript NM_005802.5 (MANE Select); coding-DNA position 2474, one base duplicated (A; older notation c.2474dupA).
Protein change: p.Tyr825Ter; replaces tyrosine 825 with a stop codon.
Molecular consequence: nonsense.
Genome position (GRCh38, 1-based): chr9:32,542,051, T duplicated on the plus strand (A on the coding strand, the reverse complement: TOPORS is on the minus strand). VCF-style (leftmost placement, unchanged base first): chr9-32542050-G-GT. GRCh37 (hg19) VCF-style: chr9-32542048-G-GT.
Other names: c.2279dup, p.Tyr760Ter (NM_001195622.2); short protein forms Y760*, Y825*.
Identifiers: ClinVar variation 1656 (VCV000001656.7), dbSNP rs1587620953, ClinGen allele CA913185045.
Genomic context (GRCh38, chr9:32,542,050, plus strand): 5'-GTCTGAAAAGGTATCACTCTCATTTTTGTAGTTTCCATCCAATTTTGATGAAGATTTTTG[G>GT]TAATGACTGTCCTTTGCTTTAGAAGCAAATTCACGAGATGGCTGAGCCACTTCGTTAGTA-3'

ClinVar aggregate classification (germline): Pathogenic. Review status: criteria provided, multiple submitters, no conflicts (2 of 4 stars). 4 submissions from 4 submitters: Pathogenic (3). 1 of the submissions does not count toward it. Last evaluated 2025-08-16.

Conditions:
TOPORS-related disorder. Also called: TOPORS-related condition.
Retinitis pigmentosa 31 (RP31). Identifiers: Orphanet 791, MedGen C1835923, MONDO:0012367, OMIM 609923.

Submissions (4):

Labcorp Genetics (formerly Invitae), Labcorp
Classification: Pathogenic. Last evaluated: 2025-08-16. Review status: criteria provided, single submitter. Criteria: Invitae Variant Classification Sherloc (09022015). Collection method: clinical testing. Allele origin: germline.
Comment: This sequence change creates a premature translational stop signal (p.Tyr825*) in the TOPORS gene. While this is not anticipated to result in nonsense mediated decay, it is expected to disrupt the last 221 amino acid(s) of the TOPORS protein. This variant is not present in population databases (gnomAD no frequency). This premature translational stop signal has been observed in individual(s) with retinitis pigmentosa (PMID: 17924349). It has also been observed to segregate with disease in related individuals. This variant is also known as c.2474_2475insA (p.Tyr825fs). ClinVar contains an entry for this variant (Variation ID: 1656). This variant is located in a region of the TOPORS protein where a significant number of TOPORS nonsense and frameshift mutations have been reported in association with autosomal dominant retinitis pigmentosa (PMID: 35579903, 17924349, 32531858). For these reasons, this variant has been classified as Pathogenic.

Blueprint Genetics
Classification: Pathogenic for TOPORS-related disorders. Last evaluated: 2024-06-04. Review status: criteria provided, single submitter. Criteria: ACMG Guidelines, 2015. Collection method: clinical testing. Allele origin: germline. Affected: yes. Observed: 5 variant alleles.

PreventionGenetics, part of Exact Sciences
Classification: Pathogenic for TOPORS-related condition. Last evaluated: 2023-08-14. Review status: criteria provided, single submitter. Criteria: ACMG Guidelines, 2015. Collection method: clinical testing. Allele origin: germline.
Comment: The TOPORS c.2474dupA variant is predicted to result in premature protein termination (p.Tyr825*). This variant has been reported as segregating with disease in a large kindred with autosomal dominant retinitis pigmentosa (Chakarova et al. 2007. PubMed ID: 17924349). This variant is located within a mutational hotspot where many variants have been documented as disease causing (Human Gene Mutation Database). This variant has not been reported in a large population database, indicating this variant is rare. Nonsense variants in TOPORS are expected to be pathogenic. Given the evidence, we interpret c.2474dup (p.Tyr825*) as pathogenic.

OMIM
Classification: Pathogenic for RETINITIS PIGMENTOSA 31. Last evaluated: 2007-11-01. Review status: no assertion criteria provided. Collection method: literature only. Allele origin: germline. Not counted in ClinVar's aggregate classification.

Literature cited by the submitters: PubMed 17924349 (cited by Labcorp Genetics (formerly Invitae), Labcorp and OMIM); PubMed 35579903 (cited by Labcorp Genetics (formerly Invitae), Labcorp); PubMed 32531858 (cited by Labcorp Genetics (formerly Invitae), Labcorp); PubMed 16189705 (cited by OMIM).